The following is an entry in ClinVar:

NM_017617.5(NOTCH1):c.1679G>A (p.Gly560Glu)

Gene: NOTCH1 (notch receptor 1; minus strand). Cytogenetic location: 9q34.3.
Variant type: single nucleotide variant.
Coding change: c.1679G>A on transcript NM_017617.5 (MANE Select); coding-DNA position 1679, G replaced by A.
Protein change: p.Gly560Glu; replaces glycine 560 with glutamic acid.
Molecular consequence: missense variant.
Genome position (GRCh38, 1-based): chr9:136,515,707, C>T on the plus strand (G>A on the coding strand, the complement: NOTCH1 is on the minus strand). VCF-style: chr9-136515707-C-T. GRCh37 (hg19) VCF-style: chr9-139410159-C-T.
Other names: short protein forms G560E.
Identifiers: ClinVar variation 2135419 (VCV002135419.4), dbSNP rs2133364377, ClinGen allele CA375560585.

ClinVar aggregate classification (germline): Uncertain significance (1 of 4 stars; one submission).

Conditions:
Adams-Oliver syndrome 5 (AOS5). Identifiers: Orphanet 974, MedGen C4014970, MONDO:0014459, OMIM 616028.

Submission:

Labcorp Genetics (formerly Invitae), Labcorp
Classification: Uncertain significance for Adams-Oliver syndrome 5. Last evaluated: 2022-05-08. Review status: criteria provided, single submitter. Criteria: Invitae Variant Classification Sherloc (09022015). Collection method: clinical testing. Allele origin: germline.
Comment: This sequence change replaces glycine, which is neutral and non-polar, with glutamic acid, which is acidic and polar, at codon 560 of the NOTCH1 protein (p.Gly560Glu). In summary, the available evidence is currently insufficient to determine the role of this variant in disease. Therefore, it has been classified as a Variant of Uncertain Significance. Advanced modeling of protein sequence and biophysical properties (such as structural, functional, and spatial information, amino acid conservation, physicochemical variation, residue mobility, and thermodynamic stability) performed at Invitae indicates that this missense variant is expected to disrupt NOTCH1 protein function. This variant has not been reported in the literature in individuals affected with NOTCH1-related conditions. This variant is not present in population databases (gnomAD no frequency).